The following is an entry in ClinVar:

NM_004612.4(TGFBR1):c.52GCG[15] (p.Ala26_Leu27insAlaAlaAlaAlaAlaAla)

Gene: TGFBR1 (transforming growth factor beta receptor 1; plus strand). Cytogenetic location: 9q22.33.
Variant type: Microsatellite.
Coding change: c.52GCG[15] on transcript NM_004612.4 (MANE Select); 15 copies in a row of the 3-base unit GCG starting at c.52; the reference has nine copies in a row; six copies, 18 bases duplicated.
Protein change: p.Ala26_Leu27insAlaAlaAlaAlaAlaAla.
Molecular consequence: intron variant (on NM_001407424.1). On other transcripts: 5 prime UTR variant (5), non-coding transcript variant (4).
Genome position (GRCh38, 1-based): chr9:99,105,266-99,105,283, GCGGCGGCGGCGGCGGCG duplicated; duplicating any 18 consecutive bases within chr9:99,105,256-99,105,283 gives the same sequence; the position shown is the placement nearest the transcript's 3' end. VCF-style (leftmost placement, unchanged base first): chr9-99105255-T-TGGCGGCGGCGGCGGCGGC. GRCh37 (hg19) VCF-style: chr9-101867537-T-TGGCGGCGGCGGCGGCGGC.
Other names: c.52GCG[15], p.Ala26_Leu27insAlaAlaAlaAlaAlaAla (NM_001407416.1, NM_001407417.1, NM_001130916.3 and 5 more transcripts); c.-111+1150GGC[15] (NM_001407424.1); c.-111+737GGC[15] (NM_001407425.1); c.-111+530GGC[15] (NM_001407434.1); c.-247+131GGC[15] (NM_001407432.1); c.-111+131GGC[15] (NM_001407419.1, NM_001407433.1); c.-292GCG[15] (NM_001407420.1, NM_001407429.1); c.-261GCG[15] (NM_001407422.1, NM_001407426.1); and 2 more.
Identifiers: ClinVar variation 3665292 (VCV003665292.2).

ClinVar aggregate classification (germline): Uncertain significance (1 of 4 stars; one submission).

Conditions:
Familial thoracic aortic aneurysm and aortic dissection (TAAD). Also called: Thoracic aortic aneurysms and dissections. Identifiers: Orphanet 91387, MedGen C4707243, MONDO:0019625.

Submission:

Labcorp Genetics (formerly Invitae), Labcorp
Classification: Uncertain significance for Familial thoracic aortic aneurysm and aortic dissection. Last evaluated: 2025-08-04. Review status: criteria provided, single submitter. Criteria: Invitae Variant Classification Sherloc (09022015). Collection method: clinical testing. Allele origin: germline.
Comment: This variant, c.61_78dup, results in the insertion of 6 amino acid(s) of the TGFBR1 protein (p.Ala21_Ala26dup), but otherwise preserves the integrity of the reading frame. The frequency data for this variant in the population databases is considered unreliable, as metrics indicate insufficient coverage at this position in the gnomAD database. This variant has not been reported in the literature in individuals affected with TGFBR1-related conditions. In summary, the available evidence is currently insufficient to determine the role of this variant in disease. Therefore, it has been classified as a Variant of Uncertain Significance.